The following is an entry in ClinVar:

NM_000558.5(HBA1):c.250C>T (p.Leu84=)

Genes: HBA1 (hemoglobin subunit alpha 1; plus strand), LOC106804613 (hemoglobin subunit alpha 1 recombination region; plus strand). Cytogenetic location: 16p13.3.
Variant type: single nucleotide variant.
Coding change: c.250C>T on transcript NM_000558.5 (MANE Select); coding-DNA position 250, C replaced by T.
Protein change: p.Leu84=; no amino-acid change (leucine 84 retained).
Molecular consequence: synonymous variant.
Genome position (GRCh38, 1-based): chr16:177,083, C>T. VCF-style: chr16-177083-C-T. GRCh37 (hg19) VCF-style: chr16-227082-C-T.
Other names: c.250C>T (NM_000558.3).
Identifiers: ClinVar variation 788899 (VCV000788899.6), dbSNP rs754145030, ClinGen allele CA7770250.

ClinVar aggregate classification (germline): Conflicting classifications of pathogenicity. Review status: criteria provided, conflicting classifications (1 of 4 stars). 3 submissions from 3 submitters: Uncertain significance (1); Likely benign (1). 1 of the submissions does not count toward it. Last evaluated 2023-08-14.

Conditions:
HBA1-related disorder. Also called: HBA1-related condition.

Allele frequency attached by ClinVar (database versions not stated): gnomAD exomes 0.00003; ExAC 0.00007; gnomAD 0.00007 and 0.00008; TOPMed 0.00008.
gnomAD v4.1: 60 of 1,544,610 alleles (0.0039%); highest among the groups gnomAD compares: Middle Eastern, 0.023%; no homozygotes.

Submissions (3):

Quest Diagnostics Nichols Institute San Juan Capistrano
Classification: Uncertain significance. Last evaluated: 2023-08-14. Review status: criteria provided, single submitter. Criteria: Quest Diagnostics criteria. Collection method: clinical testing. Allele origin: unknown.
Comment: The c.250C>T (p.Leu84Leu) variant has not been reported in the published literature, to the best of our knowledge. Analysis of this variant using software algorithms for the prediction of the effect of nucleotide changes on splicing yielded predictions that this variant does not affect HBA2 mRNA splicing. Based on the available information, we are unable to determine the clinical significance of this variant.

Labcorp Genetics (formerly Invitae), Labcorp
Classification: Likely benign. Last evaluated: 2017-06-18. Review status: criteria provided, single submitter. Criteria: Invitae Variant Classification Sherloc (09022015). Collection method: clinical testing. Allele origin: germline.

PreventionGenetics, part of Exact Sciences
Classification: Likely benign for HBA1-related condition. Last evaluated: 2021-07-09. Review status: no assertion criteria provided. Collection method: clinical testing. Allele origin: germline. Not counted in ClinVar's aggregate classification.
Comment: This variant is classified as likely benign based on ACMG/AMP sequence variant interpretation guidelines (Richards et al. 2015 PMID: 25741868, with internal and published modifications).